The following is an entry in ClinVar:

ClinVar aggregate classification (germline): Uncertain significance (1 of 4 stars; one submission).

Conditions:
Congenital myopathy with internal nuclei and atypical cores. Also called: Myopathy, centronuclear, 4. Identifiers: Orphanet 319160, MedGen C4707232, MONDO:0013890, OMIM 614807.

Allele frequency attached by ClinVar (database versions not stated): gnomAD exomes below 0.00001; gnomAD 0.00001; TOPMed 0.00002.

Submission:

Labcorp Genetics (formerly Invitae), Labcorp
Classification: Uncertain significance for Congenital myopathy with internal nuclei and atypical cores. Last evaluated: 2022-03-18. Review status: criteria provided, single submitter. Criteria: Invitae Variant Classification Sherloc (09022015). Collection method: clinical testing. Allele origin: germline.
Comment: This sequence change replaces valine, which is neutral and non-polar, with methionine, which is neutral and non-polar, at codon 255 of the CCDC78 protein (p.Val255Met). The frequency data for this variant in the population databases is considered unreliable, as metrics indicate poor data quality at this position in the gnomAD database. This variant has not been reported in the literature in individuals affected with CCDC78-related conditions. ClinVar contains an entry for this variant (Variation ID: 570386). Algorithms developed to predict the effect of missense changes on protein structure and function are either unavailable or do not agree on the potential impact of this missense change (SIFT: "Tolerated"; PolyPhen-2: "Possibly Damaging"; Align-GVGD: "Class C0"). Algorithms developed to predict the effect of sequence changes on RNA splicing suggest that this variant may disrupt the consensus splice site. In summary, the available evidence is currently insufficient to determine the role of this variant in disease. Therefore, it has been classified as a Variant of Uncertain Significance.

NM_001378030.1(CCDC78):c.763G>A (p.Val255Met)

Gene: CCDC78 (coiled-coil domain containing 78; minus strand). Cytogenetic location: 16p13.3.
Variant type: single nucleotide variant.
Coding change: c.763G>A on transcript NM_001378030.1 (MANE Select); coding-DNA position 763, G replaced by A.
Protein change: p.Val255Met; replaces valine 255 with methionine.
Molecular consequence: missense variant. On other transcripts: non-coding transcript variant (5), intron variant (1).
Genome position (GRCh38, 1-based): chr16:724,683, C>T on the plus strand (G>A on the coding strand, the complement: CCDC78 is on the minus strand). VCF-style: chr16-724683-C-T. GRCh37 (hg19) VCF-style: chr16-774683-C-T.
Other names: c.763G>A, p.Val255Met (NM_001031737.3, NM_001378031.1); c.199-174G>A (NM_001378033.1); short protein forms V255M.
Identifiers: ClinVar variation 570386 (VCV000570386.10), dbSNP rs763349441, ClinGen allele CA394100986.
Genomic context (GRCh38, chr16:724,683, plus strand): 5'-AGCACACCCAGGCCAGGCTTGGGCTCCCTAGGCCTCAGGGTGCTCCTGCAGGGCTCACCA[C>T]TGCCTGCCAGGCGCAGTGTTGCAGCCGTAGGACGTACTCATCCTTCAGTTTCTTGAGCTG-3'
Protein context (NP_001364959.1, residues 245-265): LRLQHCAWQA[Val255Met]EHADGAGQAP